The following is an entry in ClinVar:

ClinVar aggregate classification (germline): Pathogenic. Review status: criteria provided, multiple submitters, no conflicts (2 of 4 stars). 3 submissions from 3 submitters: Pathogenic (2). 1 of the submissions does not count toward it. Last evaluated 2024-05-14.

Conditions:
Primary ciliary dyskinesia. Also called: Ciliary dyskinesia. Identifiers: Orphanet 244, MedGen C0008780, MONDO:0016575, HP:0012265.
Primary ciliary dyskinesia 3. Identifiers: Orphanet 244, MedGen C1837618, MONDO:0012085, OMIM 608644.

Submissions (3):

Myriad Genetics, Inc.
Classification: Pathogenic for Primary ciliary dyskinesia 3. Last evaluated: 2024-05-14. Review status: criteria provided, single submitter. Criteria: Myriad Autosomal Dominant, Autosomal Recessive and X-Linked Classification Criteria (2023). Collection method: clinical testing. Allele origin: unknown.
Comment: NM_001369.2(DNAH5):c.5130dupA(R1711Tfs*37) is expected to be pathogenic in the context of primary ciliary dyskinesia, DNAH5-related. This variant is predicted to lead to an abnormal or absent protein product due to the creation of a premature termination codon in DNAH5, a gene where loss-of-function variants are known to be pathogenic. Please note: this variant was assessed in the context of healthy population screening.

Labcorp Genetics (formerly Invitae), Labcorp
Classification: Pathogenic for Primary ciliary dyskinesia. Last evaluated: 2021-05-19. Review status: criteria provided, single submitter. Criteria: Invitae Variant Classification Sherloc (09022015). Collection method: clinical testing. Allele origin: germline.
Comment: This sequence change creates a premature translational stop signal (p.Arg1711Thrfs*37) in the DNAH5 gene. It is expected to result in an absent or disrupted protein product. Loss-of-function variants in DNAH5 are known to be pathogenic (PMID: 11788826, 16627867). This variant is not present in population databases (ExAC no frequency). This variant has been observed in individual(s) with clinical features of DNAH5-related conditions (PMID: 11788826). This variant is also known as 5130insA (R1711TfsX36). ClinVar contains an entry for this variant (Variation ID: 6481). For these reasons, this variant has been classified as Pathogenic.

OMIM
Classification: Pathogenic for CILIARY DYSKINESIA, PRIMARY, 3. Last evaluated: 2002-02-01. Review status: no assertion criteria provided. Collection method: literature only. Allele origin: germline. Not counted in ClinVar's aggregate classification.

Literature cited by the submitters: PubMed 11788826 (cited by Labcorp Genetics (formerly Invitae), Labcorp and OMIM); PubMed 16627867 (cited by Labcorp Genetics (formerly Invitae), Labcorp).

NM_001369.3(DNAH5):c.5130dup (p.Arg1711fs)

Gene: DNAH5 (dynein axonemal heavy chain 5; minus strand). Cytogenetic location: 5p15.2.
Variant type: Duplication.
Coding change: c.5130dup on transcript NM_001369.3 (MANE Select); coding-DNA position 5130, one base duplicated (A; older notation c.5130dupA).
Protein change: p.Arg1711fs; shifts the reading frame from arginine 1711.
Molecular consequence: frameshift variant.
Genome position (GRCh38, 1-based): chr5:13,844,978, T duplicated on the plus strand (A on the coding strand, the reverse complement: DNAH5 is on the minus strand); the first of 6 consecutive T bases (chr5:13,844,978-13,844,983); duplicating any one gives the same sequence. VCF-style (leftmost placement, unchanged base first): chr5-13844977-G-GT. GRCh37 (hg19) VCF-style: chr5-13845086-G-GT.
Other names: c.5130dupA (NM_001369.2); short protein forms R1711fs.
Identifiers: ClinVar variation 6481 (VCV000006481.11), dbSNP rs1580543863, ClinGen allele CA913187420.